The following is an entry in ClinVar:

ClinVar aggregate classification (germline): Uncertain significance. Review status: criteria provided, multiple submitters, no conflicts (2 of 4 stars). 3 submissions from 3 submitters: Uncertain significance (3). Last evaluated 2023-01-24.

Conditions:
Nephronophthisis 14 (NPHP14). Identifiers: Orphanet 2318, MedGen C3539071, MONDO:0013916, OMIM 614844.

Allele frequency attached by ClinVar (database versions not stated): gnomAD 0.00003; TOPMed 0.00003; gnomAD exomes 0.00004 and 0.00005; ExAC 0.00010.
gnomAD v4.1: 68 of 1,602,948 alleles (0.0042%); highest among the groups gnomAD compares: Non-Finnish European, 0.0045%; no homozygotes.

Submissions (3):

Ambry Genetics
Classification: Uncertain significance. Last evaluated: 2023-01-24. Review status: criteria provided, single submitter. Criteria: Ambry Variant Classification Scheme 2023. Collection method: clinical testing. Allele origin: germline.

Blueprint Genetics
Classification: Uncertain significance. Last evaluated: 2022-05-30. Review status: criteria provided, single submitter. Criteria: ACMG Guidelines, 2015. Collection method: clinical testing. Allele origin: germline.

Labcorp Genetics (formerly Invitae), Labcorp
Classification: Uncertain significance for Nephronophthisis 14. Last evaluated: 2021-08-31. Review status: criteria provided, single submitter. Criteria: Invitae Variant Classification Sherloc (09022015). Collection method: clinical testing. Allele origin: germline.
Comment: This sequence change replaces aspartic acid with valine at codon 95 of the ZNF423 protein (p.Asp95Val). The aspartic acid residue is moderately conserved and there is a large physicochemical difference between aspartic acid and valine. This variant is present in population databases (rs756747278, ExAC 0.02%). This variant has not been reported in the literature in individuals affected with ZNF423-related conditions. Algorithms developed to predict the effect of missense changes on protein structure and function are either unavailable or do not agree on the potential impact of this missense change (SIFT: "Deleterious"; PolyPhen-2: "Probably Damaging"; Align-GVGD: "Class C0"). In summary, the available evidence is currently insufficient to determine the role of this variant in disease. Therefore, it has been classified as a Variant of Uncertain Significance.

NM_001379286.1(ZNF423):c.308A>T (p.Asp103Val)

Gene: ZNF423 (zinc finger protein 423; minus strand). Cytogenetic location: 16q12.1.
Variant type: single nucleotide variant.
Coding change: c.308A>T on transcript NM_001379286.1 (MANE Select); coding-DNA position 308, A replaced by T.
Protein change: p.Asp103Val; replaces aspartic acid 103 with valine.
Molecular consequence: missense variant. On other transcripts: 5 prime UTR variant (1).
Genome position (GRCh38, 1-based): chr16:49,638,868, T>A on the plus strand (A>T on the coding strand, the complement: ZNF423 is on the minus strand). VCF-style: chr16-49638868-T-A. GRCh37 (hg19) VCF-style: chr16-49672779-T-A.
Other names: c.284A>T (NM_015069.2); c.104A>T, p.Asp35Val (NM_001271620.2); c.-68A>T (NM_001330533.2); c.284A>T, p.Asp95Val (NM_015069.5); short protein forms D35V, D103V, D95V.
Identifiers: ClinVar variation 1044104 (VCV001044104.8), dbSNP rs756747278, ClinGen allele CA8046896.